The following is an entry in ClinVar:

ClinVar aggregate classification (germline): Benign/Likely benign. Review status: criteria provided, multiple submitters, no conflicts (2 of 4 stars). 4 submissions from 4 submitters: Benign (2); Likely benign (2). Last evaluated 2026-01-19.

Conditions:
TNNT3-related disorder. Also called: TNNT3-related condition.

Allele frequency attached by ClinVar (database versions not stated): 1000 Genomes Project 30x 0.00031; 1000 Genomes Project 0.00040; TOPMed 0.00082; ExAC 0.00100; gnomAD 0.00108 and 0.00112; gnomAD exomes 0.00111 and 0.00113; ESP Exome Variant Server 0.00115.
gnomAD v4.1: 1,765 of 1,613,348 alleles (0.11%); highest among the groups gnomAD compares: Non-Finnish European, 0.12%; 5 homozygotes.

Submissions (4):

Labcorp Genetics (formerly Invitae), Labcorp
Classification: Benign. Last evaluated: 2026-01-19. Review status: criteria provided, single submitter. Criteria: Invitae Variant Classification Sherloc (09022015). Collection method: clinical testing. Allele origin: germline.

PreventionGenetics, part of Exact Sciences
Classification: Likely benign for TNNT3-related condition. Last evaluated: 2026-01-07. Review status: criteria provided, single submitter. Criteria: ACMG Guidelines, 2015. Collection method: clinical testing. Allele origin: germline.
Comment: This variant is classified as likely benign based on ACMG/AMP sequence variant interpretation guidelines (Richards et al. 2015 PMID: 25741868, with internal and published modifications).

Blueprint Genetics
Classification: Likely benign. Last evaluated: 2024-11-15. Review status: criteria provided, single submitter. Criteria: ACMG Guidelines, 2015. Collection method: clinical testing. Allele origin: germline.

GeneDx
Classification: Benign. Last evaluated: 2021-08-23. Review status: criteria provided, single submitter. Criteria: GeneDx Variant Classification Process June 2021. Collection method: clinical testing. Allele origin: germline. Affected: yes.

NM_006757.4(TNNT3):c.759C>T (p.Val253=)

Gene: TNNT3 (troponin T3, fast skeletal type; plus strand). Cytogenetic location: 11p15.5.
Variant type: single nucleotide variant.
Coding change: c.759C>T on transcript NM_006757.4 (MANE Select); coding-DNA position 759, C replaced by T.
Protein change: p.Val253=; no amino-acid change (valine 253 retained).
Molecular consequence: synonymous variant.
Genome position (GRCh38, 1-based): chr11:1,938,474, C>T. VCF-style: chr11-1938474-C-T. GRCh37 (hg19) VCF-style: chr11-1959704-C-T.
Other names: c.735C>T, p.Val245= (NM_001042780.3, NM_001042782.3, NM_001297646.2 and 2 more transcripts); c.753C>T, p.Val251= (NM_001042781.3, NM_001367842.1, NM_001367843.1); c.768C>T, p.Val256= (NM_001363561.2, NM_001367847.1); c.792C>T, p.Val264= (NM_001367846.1); c.756C>T, p.Val252= (NM_001367848.1); c.747C>T, p.Val249= (NM_001367849.1); c.702C>T, p.Val234= (NM_001367850.1); c.555C>T, p.Val185= (NM_001367851.1, NM_001367852.1).
Identifiers: ClinVar variation 303979 (VCV000303979.17), dbSNP rs140388684, ClinGen allele CA5816664.
Genomic context (GRCh38, chr11:1,938,474, plus strand): 5'-GGATCACTTGCTTCCCATTTGCAGCAGCAAGAAGGCTGGGACCCCAGCCAAGGGCAAAGT[C>T]GGCGGGCGCTGGAAGTAGAGAGGCCAGAAAGGCCCCTCGAGGCAGAGACCCTCCGCCCTC-3'
Protein context (NP_006748.1, residues 243-258): KKAGTPAKGK[Val253=]GGRWK